The following is an entry in ClinVar:

NM_003072.5(SMARCA4):c.136A>C (p.Ser46Arg)

Gene: SMARCA4 (SWI/SNF related BAF chromatin remodeling complex subunit ATPase 4; plus strand). Cytogenetic location: 19p13.2.
Variant type: single nucleotide variant.
Coding change: c.136A>C on transcript NM_003072.5 (MANE Select); coding-DNA position 136, A replaced by C.
Protein change: p.Ser46Arg; replaces serine 46 with arginine.
Molecular consequence: missense variant. On other transcripts: non-coding transcript variant (1).
Genome position (GRCh38, 1-based): chr19:10,984,287, A>C. VCF-style: chr19-10984287-A-C. GRCh37 (hg19) VCF-style: chr19-11094963-A-C.
Other names: c.136A>C, p.Ser46Arg (NM_001128844.3, NM_001128845.2, NM_001128846.2 and 6 more transcripts); short protein forms S46R.
Identifiers: ClinVar variation 2567139 (VCV002567139.3), dbSNP rs2145724359, ClinGen allele CA404054400.

ClinVar aggregate classification (germline): Uncertain significance. Review status: criteria provided, multiple submitters, no conflicts (2 of 4 stars). 2 submissions from 2 submitters: Uncertain significance (2). Last evaluated 2025-10-20.

Conditions:
Hereditary cancer-predisposing syndrome. Also called: Hereditary neoplastic syndrome; Hereditary Cancer Syndrome; Neoplastic Syndromes, Hereditary; Tumor predisposition. Identifiers: Orphanet 140162, MedGen C0027672, MeSH D009386, MONDO:0015356.
Rhabdoid tumor predisposition syndrome 2 (RTPS2). Identifiers: Orphanet 231108, Orphanet 69077, MedGen C2750074, MONDO:0013224, OMIM 613325.

Submissions (2):

Labcorp Genetics (formerly Invitae), Labcorp
Classification: Uncertain significance for Rhabdoid tumor predisposition syndrome 2. Last evaluated: 2025-10-20. Review status: criteria provided, single submitter. Criteria: Invitae Variant Classification Sherloc (09022015). Collection method: clinical testing. Allele origin: germline.
Comment: This sequence change replaces serine, which is neutral and polar, with arginine, which is basic and polar, at codon 46 of the SMARCA4 protein (p.Ser46Arg). This variant is not present in population databases (gnomAD no frequency). This variant has not been reported in the literature in individuals affected with SMARCA4-related conditions. ClinVar contains an entry for this variant (Variation ID: 2567139). Invitae Evidence Modeling of protein sequence and biophysical properties (such as structural, functional, and spatial information, amino acid conservation, physicochemical variation, residue mobility, and thermodynamic stability) indicates that this missense variant is not expected to disrupt SMARCA4 protein function with a negative predictive value of 80%. In summary, the available evidence is currently insufficient to determine the role of this variant in disease. Therefore, it has been classified as a Variant of Uncertain Significance.

Ambry Genetics
Classification: Uncertain significance for Hereditary cancer-predisposing syndrome. Last evaluated: 2023-04-18. Review status: criteria provided, single submitter. Criteria: Ambry Variant Classification Scheme 2023. Collection method: clinical testing. Allele origin: germline.
Comment: The p.S46R variant (also known as c.136A>C), located in coding exon 1 of the SMARCA4 gene, results from an A to C substitution at nucleotide position 136. The serine at codon 46 is replaced by arginine, an amino acid with dissimilar properties. This amino acid position is highly conserved in available vertebrate species. In addition, this alteration is predicted to be deleterious by in silico analysis. Missense and in-frame variants in SMARCA4 are known to cause neurodevelopmental disorders; however, such associations with rhabdoid tumor predisposition syndrome including small cell carcinoma of the ovary-hypercalcemic type (SCCOHT) are exceedingly rare (Kosho T et al. Am J Med Genet C Semin Med Genet. 2014 Sep;166C(3):262-75; Jelinic P et al. Nat Genet. 2014 May;46(5):424-6). Since supporting evidence is limited at this time, the clinical significance of this alteration remains unclear.